The following is an entry in ClinVar:

ClinVar aggregate classification (germline): Benign (1 of 4 stars; one submission).

Conditions:
Sessile serrated polyposis cancer syndrome (SSPCS). Identifiers: Orphanet 157798, MedGen C4310714, MONDO:0014919, OMIM 617108.

gnomAD v4.1: 1 of 1,613,962 alleles (0.000062%); highest among the groups gnomAD compares: Non-Finnish European, 0.000085%; no homozygotes.

Submission:

Myriad Genetics, Inc.
Classification: Benign for Sessile serrated polyposis cancer syndrome. Last evaluated: 2026-07-02. Review status: criteria provided, single submitter. Criteria: Myriad Autosomal Dominant, Autosomal Recessive and X-Linked Classification Criteria (2023). Collection method: clinical testing. Allele origin: unknown.
Comment: This variant is considered benign. This variant is a silent/synonymous amino acid change and it is not expected to impact splicing.

NM_017763.6(RNF43):c.1530C>T (p.Tyr510=)

Gene: RNF43 (ring finger protein 43; minus strand). Cytogenetic location: 17q22.
Variant type: single nucleotide variant.
Coding change: c.1530C>T on transcript NM_017763.6 (MANE Select); coding-DNA position 1530, C replaced by T.
Protein change: p.Tyr510=; no amino-acid change (tyrosine 510 retained).
Molecular consequence: synonymous variant.
Genome position (GRCh38, 1-based): chr17:58,358,246, G>A on the plus strand (C>T on the coding strand, the complement: RNF43 is on the minus strand). VCF-style: chr17-58358246-G-A. GRCh37 (hg19) VCF-style: chr17-56435607-G-A.
Other names: c.1530C>T, p.Tyr510= (NM_001305544.3, NM_001438820.1, NM_001438821.1 and 1 more transcripts); c.1149C>T, p.Tyr383= (NM_001305545.2, NM_001437987.1).
Identifiers: ClinVar variation 5042368 (VCV005042368.1).